The following is an entry in ClinVar:

NM_002458.3(MUC5B):c.8721C>A (p.Ala2907=)

Genes: MUC5B (mucin 5B, oligomeric mucus/gel-forming; plus strand), MUC5B-AS1 (MUC5B antisense RNA 1; minus strand). Cytogenetic location: 11p15.5.
Variant type: single nucleotide variant.
Coding change: c.8721C>A on transcript NM_002458.3 (MANE Select); coding-DNA position 8721, C replaced by A.
Protein change: p.Ala2907=; no amino-acid change (alanine 2907 retained).
Molecular consequence: synonymous variant.
Genome position (GRCh38, 1-based): chr11:1,245,601, C>A. VCF-style: chr11-1245601-C-A. GRCh37 (hg19) VCF-style: chr11-1266831-C-A.
Identifiers: ClinVar variation 4084022 (VCV004084022.8).
Genomic context (GRCh38, chr11:1,245,601, plus strand): 5'-GCCGGGGCCCTCTGGCGGGGACTTTGACACCTACTCCAACATCCGTGCGGCCGGAGGGGC[C>A]GTCTGTGAGCAGCCCCTGGGCCTCGAGTGCCGTGCCCAGGCCCAGCCTGGTGTCCCCCTG-3'
Protein context (NP_002449.2, residues 2897-2917): TYSNIRAAGG[Ala2907=]VCEQPLGLEC

ClinVar aggregate classification (germline): Likely benign (1 of 4 stars; one submission).

gnomAD v4.1: 1,872 of 1,585,256 alleles (0.12%); highest among the groups gnomAD compares: African/African-American, 0.89%; 6 homozygotes.

Submission:

CeGaT Center for Human Genetics Tuebingen
Classification: Likely benign. Last evaluated: 2025-09-01. Review status: criteria provided, single submitter. Criteria: CeGaT Center For Human Genetics Tuebingen Variant Classification Criteria Version 2. Collection method: clinical testing. Allele origin: germline. Affected: yes. Observed: 2 variant alleles.
Comment: MUC5B: BP4, BP7, BS2